The following is an entry in ClinVar:

NM_001395002.1(MAP4K4):c.629A>G (p.Tyr210Cys)

Gene: MAP4K4 (mitogen-activated protein kinase kinase kinase kinase 4; plus strand). Cytogenetic location: 2q11.2.
Variant type: single nucleotide variant.
Coding change: c.629A>G on transcript NM_001395002.1 (MANE Select); coding-DNA position 629, A replaced by G.
Protein change: p.Tyr210Cys; replaces tyrosine 210 with cysteine.
Molecular consequence: missense variant. On other transcripts: non-coding transcript variant (4).
Genome position (GRCh38, 1-based): chr2:101,831,841, A>G. VCF-style: chr2-101831841-A-G. GRCh37 (hg19) VCF-style: chr2-102448303-A-G.
Other names: c.629A>G, p.Tyr210Cys (NM_001242559.2, NM_001242560.2, NM_001384476.1 and 28 more transcripts); c.602A>G, p.Tyr201Cys (NM_001384549.1, NM_001384550.1, NM_001384551.1 and 16 more transcripts); short protein forms Y201C, Y210C.
Identifiers: ClinVar variation 3543005 (VCV003543005.2).

ClinVar aggregate classification (germline): Pathogenic (1 of 4 stars; one submission).

Conditions:
Inborn genetic diseases. Identifiers: MedGen C0950123, MeSH D030342.

Submission:

Ambry Genetics
Classification: Pathogenic for Inborn genetic diseases. Last evaluated: 2025-02-26. Review status: criteria provided, single submitter. Criteria: Ambry Variant Classification Scheme 2023. Collection method: clinical testing. Allele origin: germline.
Comment: The c.629A>G (p.Y210C) alteration is located in exon 7 (coding exon 7) of the MAP4K4 gene. This alteration results from an A to G substitution at nucleotide position 629, causing the tyrosine (Y) at amino acid position 210 to be replaced by a cysteine (C). This variant was not reported in population-based cohorts in the Genome Aggregation Database (gnomAD). This alteration was also reported as a de novo occurrence in an individual with an unspecified developmental disorder (DECIPHER). This amino acid position is highly conserved in available vertebrate species. This missense alteration is located in a region that has a low rate of benign missense variation (Lek, 2016; Firth, 2009). This alteration is predicted to be deleterious by in silico analysis. Based on the available evidence, this alteration is classified as pathogenic.